The following is an entry in ClinVar:

NM_006261.5(PROP1):c.129dup (p.Arg44fs)

Gene: PROP1 (PROP paired-like homeobox 1; minus strand). Cytogenetic location: 5q35.3.
Variant type: Duplication.
Coding change: c.129dup on transcript NM_006261.5 (MANE Select); coding-DNA position 129, one base duplicated (C; older notation c.129dupC).
Protein change: p.Arg44fs; shifts the reading frame from arginine 44.
Molecular consequence: frameshift variant.
Genome position (GRCh38, 1-based): chr5:177,994,319, G duplicated on the plus strand (C on the coding strand, the reverse complement: PROP1 is on the minus strand). VCF-style (leftmost placement, unchanged base first): chr5-177994318-T-TG. GRCh37 (hg19) VCF-style: chr5-177421319-T-TG.
Other names: short protein forms R44fs.
Identifiers: ClinVar variation 1071125 (VCV001071125.10), dbSNP rs2113064591, ClinGen allele CA2499217792.
Genomic context (GRCh38, chr5:177,994,318, plus strand): 5'-CCCTCTGTCCTCCTTGCGGGGAGAACCTTGATCTCCCCCCTCCTGCACCAGGGAGCCTTC[T>TG]GCAGGGTGGAGCACTCGAGTCTGAGAACGGAGAGAAGGGAGGGGCGGCTTCTGAGGAGGA-3'

ClinVar aggregate classification (germline): Pathogenic/Likely pathogenic. Review status: criteria provided, multiple submitters, no conflicts (2 of 4 stars). 2 submissions from 2 submitters: Pathogenic (1); Likely pathogenic (1). Last evaluated 2022-08-12.

Conditions:
Pituitary hormone deficiency, combined, 2. Also called: PITUITARY DWARFISM III; ATELIOTIC DWARFISM WITH HYPOGONADISM; HANHART DWARFISM; PROP1-Related Combined Pituitary Hormone Deficiency. Identifiers: MedGen C0878683, MONDO:0009878, OMIM 262600.

Submissions (2):

Baylor Genetics
Classification: Likely pathogenic for Pituitary hormone deficiency, combined, 2. Last evaluated: 2022-08-12. Review status: criteria provided, single submitter. Criteria: ACMG Guidelines, 2015. Collection method: clinical testing. Allele origin: unknown.

Labcorp Genetics (formerly Invitae), Labcorp
Classification: Pathogenic. Last evaluated: 2021-12-25. Review status: criteria provided, single submitter. Criteria: Invitae Variant Classification Sherloc (09022015). Collection method: clinical testing. Allele origin: germline.
Comment: This sequence change creates a premature translational stop signal (p.Arg44Glnfs*67) in the PROP1 gene. While this is not anticipated to result in nonsense mediated decay, it is expected to disrupt the last 183 amino acid(s) of the PROP1 protein. For these reasons, this variant has been classified as Pathogenic. This variant disrupts a region of the PROP1 protein in which other variant(s) (p.Leu102Cysfs*8) have been determined to be pathogenic (PMID: 9462743, 11081182, 26111865, 28734020). This suggests that this is a clinically significant region of the protein, and that variants that disrupt it are likely to be disease-causing. ClinVar contains an entry for this variant (Variation ID: 1071125). This variant has not been reported in the literature in individuals affected with PROP1-related conditions. This variant is not present in population databases (gnomAD no frequency).

Literature cited by the submitters: PubMed 9462743 (cited by Labcorp Genetics (formerly Invitae), Labcorp); PubMed 11081182 (cited by Labcorp Genetics (formerly Invitae), Labcorp); PubMed 26111865 (cited by Labcorp Genetics (formerly Invitae), Labcorp); PubMed 28734020 (cited by Labcorp Genetics (formerly Invitae), Labcorp).